The following is an entry in ClinVar:

NM_001355436.2(SPTB):c.877-3T>C

Gene: SPTB (spectrin beta, erythrocytic; minus strand). Cytogenetic location: 14q23.3.
Variant type: single nucleotide variant.
Coding change: c.877-3T>C on transcript NM_001355436.2 (MANE Select); 3 bases into the intron before coding-DNA position 877, T replaced by C.
Molecular consequence: intron variant.
Genome position (GRCh38, 1-based): chr14:64,799,937, A>G on the plus strand (T>C on the coding strand, the complement: SPTB is on the minus strand). VCF-style: chr14-64799937-A-G. GRCh37 (hg19) VCF-style: chr14-65266655-A-G.
Other names: c.877-3T>C (NM_001024858.4, NM_001355437.2).
Identifiers: ClinVar variation 3644991 (VCV003644991.2).

ClinVar aggregate classification (germline): Uncertain significance (1 of 4 stars; one submission).

Submission:

Labcorp Genetics (formerly Invitae), Labcorp
Classification: Uncertain significance. Last evaluated: 2024-03-07. Review status: criteria provided, single submitter. Criteria: Invitae Variant Classification Sherloc (09022015). Collection method: clinical testing. Allele origin: germline.
Comment: This sequence change falls in intron 7 of the SPTB gene. It does not directly change the encoded amino acid sequence of the SPTB protein. It affects a nucleotide within the consensus splice site. This variant is not present in population databases (gnomAD no frequency). This variant has not been reported in the literature in individuals affected with SPTB-related conditions. Variants that disrupt the consensus splice site are a relatively common cause of aberrant splicing (PMID: 17576681, 9536098). Algorithms developed to predict the effect of sequence changes on RNA splicing suggest that this variant may disrupt the consensus splice site. In summary, the available evidence is currently insufficient to determine the role of this variant in disease. Therefore, it has been classified as a Variant of Uncertain Significance.

Literature cited by the submitters: PubMed 17576681; PubMed 9536098.